The following is an entry in ClinVar:

ClinVar aggregate classification (germline): Uncertain significance (1 of 4 stars; one submission).

Submission:

GeneDx
Classification: Uncertain significance. Last evaluated: 2025-07-30. Review status: criteria provided, single submitter. Criteria: GeneDx Variant Classification Process June 2021. Collection method: clinical testing. Allele origin: germline. Affected: yes.
Comment: Not observed at significant frequency in large population cohorts (gnomAD); Missense variants in this gene are a common cause of disease and they are underrepresented in the general population; In silico analysis suggests that this missense variant does not alter protein structure/function; Has not been previously published as pathogenic or benign to our knowledge; This variant is associated with the following publications: (PMID: 29493581)

NM_030662.4(MAP2K2):c.128A>C (p.Glu43Ala)

Gene: MAP2K2 (mitogen-activated protein kinase kinase 2; minus strand). Cytogenetic location: 19p13.3.
Variant type: single nucleotide variant.
Coding change: c.128A>C on transcript NM_030662.4 (MANE Select); coding-DNA position 128, A replaced by C.
Protein change: p.Glu43Ala; replaces glutamic acid 43 with alanine.
Molecular consequence: missense variant.
Genome position (GRCh38, 1-based): chr19:4,117,594, T>G on the plus strand (A>C on the coding strand, the complement: MAP2K2 is on the minus strand). VCF-style: chr19-4117594-T-G. GRCh37 (hg19) VCF-style: chr19-4117592-T-G.
Other names: c.128A>C, p.Glu43Ala (NM_001440688.1); short protein forms E43A.
Identifiers: ClinVar variation 4689813 (VCV004689813.1).